The following is an entry in ClinVar:

ClinVar aggregate classification (germline): Likely benign. Review status: criteria provided, multiple submitters, no conflicts (2 of 4 stars). 2 submissions from 2 submitters: Likely benign (2). Last evaluated 2026-06-26.

Conditions:
Sessile serrated polyposis cancer syndrome (SSPCS). Identifiers: Orphanet 157798, MedGen C4310714, MONDO:0014919, OMIM 617108.

gnomAD v4.1: 7 of 1,550,026 alleles (0.00045%); highest among the groups gnomAD compares: East Asian, 0.016%; no homozygotes.

Submissions (2):

Myriad Genetics, Inc.
Classification: Likely benign for Sessile serrated polyposis cancer syndrome. Last evaluated: 2026-06-26. Review status: criteria provided, single submitter. Criteria: Myriad Autosomal Dominant, Autosomal Recessive and X-Linked Classification Criteria (2023). Collection method: clinical testing. Allele origin: unknown.
Comment: This variant is considered likely benign. This variant is intronic and is not expected to impact mRNA splicing.

Labcorp Genetics (formerly Invitae), Labcorp
Classification: Likely benign. Last evaluated: 2024-06-02. Review status: criteria provided, single submitter. Criteria: Invitae Variant Classification Sherloc (09022015). Collection method: clinical testing. Allele origin: germline.

NM_017763.6(RNF43):c.253-20A>C

Gene: RNF43 (ring finger protein 43; minus strand). Cytogenetic location: 17q22.
Variant type: single nucleotide variant.
Coding change: c.253-20A>C on transcript NM_017763.6 (MANE Select); 20 bases into the intron before coding-DNA position 253, A replaced by C.
Molecular consequence: intron variant.
Genome position (GRCh38, 1-based): chr17:58,371,053, T>G on the plus strand (A>C on the coding strand, the complement: RNF43 is on the minus strand). VCF-style: chr17-58371053-T-G. GRCh37 (hg19) VCF-style: chr17-56448414-T-G.
Other names: c.253-20A>C (NM_001438822.1, NM_001305544.3, NM_001438820.1 and 1 more transcripts); c.-129-20A>C (NM_001305545.2, NM_001437987.1).
Identifiers: ClinVar variation 3619577 (VCV003619577.3).